The following is an entry in ClinVar:

ClinVar aggregate classification (germline): Uncertain significance (1 of 4 stars; one submission).

Submission:

GeneDx
Classification: Uncertain significance. Last evaluated: 2023-07-25. Review status: criteria provided, single submitter. Criteria: GeneDx Variant Classification Process June 2021. Collection method: clinical testing. Allele origin: germline. Affected: yes.
Comment: Not observed at significant frequency in large population cohorts (gnomAD); In silico analysis supports that this missense variant has a deleterious effect on protein structure/function; Has not been previously published as pathogenic or benign to our knowledge

NM_015466.4(PTPN23):c.33G>C (p.Trp11Cys)

Genes: PTPN23 (protein tyrosine phosphatase non-receptor type 23; plus strand), PTPN23-DT (PTPN23 divergent transcript; minus strand). Cytogenetic location: 3p21.31.
Variant type: single nucleotide variant.
Coding change: c.33G>C on transcript NM_015466.4 (MANE Select); coding-DNA position 33, G replaced by C.
Protein change: p.Trp11Cys; replaces tryptophan 11 with cysteine.
Molecular consequence: missense variant. On other transcripts: non-coding transcript variant (1), 5 prime UTR variant (1).
Genome position (GRCh38, 1-based): chr3:47,381,129, G>C. VCF-style: chr3-47381129-G-C. GRCh37 (hg19) VCF-style: chr3-47422619-G-C.
Other names: c.-218G>C (NM_001304482.2); short protein forms W11C.
Identifiers: ClinVar variation 3360986 (VCV003360986.1).